The following is an entry in ClinVar:

ClinVar aggregate classification (germline): Uncertain significance. Review status: criteria provided, multiple submitters, no conflicts (2 of 4 stars). 2 submissions from 2 submitters: Uncertain significance (2). Last evaluated 2024-01-01.

Conditions:
Vici syndrome (VICIS). Identifiers: Orphanet 1493, MedGen C1855772, MONDO:0009452, OMIM 242840.

Allele frequency attached by ClinVar (database versions not stated): gnomAD 0.00001; gnomAD exomes 0.00001; TOPMed 0.00001.
gnomAD v4.1: 11 of 1,611,804 alleles (0.00068%); highest among the groups gnomAD compares: Admixed American, 0.0017%; no homozygotes.

Submissions (2):

Daryl Scott Lab, Baylor College of Medicine
Classification: Uncertain significance for Vici syndrome. Last evaluated: 2024-01-01. Review status: criteria provided, single submitter. Criteria: ACMG Guidelines, 2015. Collection method: clinical testing. Allele origin: paternal. Observed: 1 heterozygote.
Comment: PM2, PP3

Labcorp Genetics (formerly Invitae), Labcorp
Classification: Uncertain significance for Vici syndrome. Last evaluated: 2023-07-06. Review status: criteria provided, single submitter. Criteria: Invitae Variant Classification Sherloc (09022015). Collection method: clinical testing. Allele origin: germline.
Comment: This sequence change replaces glycine, which is neutral and non-polar, with arginine, which is basic and polar, at codon 850 of the EPG5 protein (p.Gly850Arg). This variant is present in population databases (rs199547969, gnomAD 0.0009%). In summary, the available evidence is currently insufficient to determine the role of this variant in disease. Therefore, it has been classified as a Variant of Uncertain Significance. Algorithms developed to predict the effect of sequence changes on RNA splicing suggest that this variant may create or strengthen a splice site. Advanced modeling of protein sequence and biophysical properties (such as structural, functional, and spatial information, amino acid conservation, physicochemical variation, residue mobility, and thermodynamic stability) performed at Invitae indicates that this missense variant is expected to disrupt EPG5 protein function. ClinVar contains an entry for this variant (Variation ID: 2420653). This variant has not been reported in the literature in individuals affected with EPG5-related conditions.

NM_020964.3(EPG5):c.2548G>A (p.Gly850Arg)

Gene: EPG5 (ectopic P-granules 5 autophagy tethering factor; minus strand). Cytogenetic location: 18q21.1.
Variant type: single nucleotide variant.
Coding change: c.2548G>A on transcript NM_020964.3 (MANE Select); coding-DNA position 2548, G replaced by A.
Protein change: p.Gly850Arg; replaces glycine 850 with arginine.
Molecular consequence: missense variant.
Genome position (GRCh38, 1-based): chr18:45,928,874, C>T on the plus strand (G>A on the coding strand, the complement: EPG5 is on the minus strand). VCF-style: chr18-45928874-C-T. GRCh37 (hg19) VCF-style: chr18-43508840-C-T.
Other names: c.2548G>A, p.Gly850Arg (NM_001410858.1, NM_001410859.1); short protein forms G850R.
Identifiers: ClinVar variation 2420653 (VCV002420653.7), dbSNP rs199547969, ClinGen allele CA299774506.
Genomic context (GRCh38, chr18:45,928,874, plus strand): 5'-GTTCCATTACTCCAAGATTTGAAAAAACAAAAACAAACAAAATCAGTGCTCTTACCATTC[C>T]AACCTGGTCAATGGTCTCTTGAACTCTATCCAGAAGGACGGAAATTATCTCAGGGTGAAC-3'
Protein context (NP_066015.2, residues 840-860): DRVQETIDQV[Gly850Arg]MVSLYLFKEL